The following is an entry in ClinVar:

NM_001077418.3(TMEM231):c.-37G>A

Gene: TMEM231 (transmembrane protein 231; minus strand). Cytogenetic location: 16q23.1.
Variant type: single nucleotide variant.
Coding change: c.-37G>A on transcript NM_001077418.3 (MANE Select); 37 bases upstream of the start codon, G replaced by A.
Molecular consequence: 5 prime UTR variant. On other transcripts: nonsense (1), non-coding transcript variant (1).
Genome position (GRCh38, 1-based): chr16:75,556,246, C>T on the plus strand (G>A on the coding strand, the complement: TMEM231 is on the minus strand). VCF-style: chr16-75556246-C-T. GRCh37 (hg19) VCF-style: chr16-75590144-C-T.
Other names: c.26G>A, p.Trp9Ter (NM_001077416.2); short protein forms W9*.
Identifiers: ClinVar variation 2054331 (VCV002054331.4), dbSNP rs905065417, ClinGen allele CA2233425221.

ClinVar aggregate classification (germline): Pathogenic (1 of 4 stars; one submission).

Conditions:
Joubert syndrome 20 (JBTS20). Identifiers: Orphanet 475, MedGen C3554235, MONDO:0013994, OMIM 614970.
Meckel syndrome, type 11 (MKS11). Identifiers: Orphanet 564, MedGen C3809352, MONDO:0014164, OMIM 615397.

gnomAD v4.1: 1 of 1,392,874 alleles (0.000072%); highest among the groups gnomAD compares: Non-Finnish European, 0.000093%; no homozygotes.

Submission:

Labcorp Genetics (formerly Invitae), Labcorp
Classification: Pathogenic for Joubert syndrome 20; Meckel syndrome, type 11. Last evaluated: 2021-12-24. Review status: criteria provided, single submitter. Criteria: Invitae Variant Classification Sherloc (09022015). Collection method: clinical testing. Allele origin: germline.
Comment: This sequence change creates a premature translational stop signal (p.Trp9*) in the TMEM231 gene. It is expected to result in an absent or disrupted protein product. Loss-of-function variants in TMEM231 are known to be pathogenic (PMID: 23012439, 23349226). This variant is not present in population databases (gnomAD no frequency). This variant has not been reported in the literature in individuals affected with TMEM231-related conditions. For these reasons, this variant has been classified as Pathogenic.

Literature cited by the submitters: PubMed 23012439; PubMed 23349226.